The following is an entry in ClinVar:

ClinVar aggregate classification (germline): Conflicting classifications of pathogenicity. Review status: criteria provided, conflicting classifications (1 of 4 stars). 5 submissions from 5 submitters: Uncertain significance (4); Likely benign (1). Last evaluated 2025-12-20.

Conditions:
Cardiovascular phenotype. Identifiers: MedGen CN230736.
Long QT syndrome (LQTS). Identifiers: MedGen C0023976, MeSH D008133, MONDO:0002442. Disease mechanism: loss of function. Inheritance: Various modes of inheritance.
Cardiac arrhythmia, ankyrin-B-related. Also called: ANKYRIN-B SYNDROME. Identifiers: Orphanet 101016, Orphanet 768, MedGen C1970119, MONDO:0010958, OMIM 600919.
Primary dilated cardiomyopathy (DCM). Also called: Dilated Cardiomyopathy. Identifiers: Orphanet 217604, MedGen C0007193, MeSH D002311, MONDO:0005021, HP:0001644. Inheritance: Various modes of inheritance.

Allele frequency attached by ClinVar (database versions not stated): gnomAD 0.00003 and 0.00004; ExAC 0.00004; TOPMed 0.00006; gnomAD exomes 0.00007 and 0.00013.
gnomAD v4.1: 200 of 1,614,036 alleles (0.012%); highest among the groups gnomAD compares: Middle Eastern, 0.099%; no homozygotes.

Submissions (5):

Labcorp Genetics (formerly Invitae), Labcorp
Classification: Uncertain significance for Long QT syndrome. Last evaluated: 2025-12-20. Review status: criteria provided, single submitter. Criteria: Invitae Variant Classification Sherloc (09022015). Collection method: clinical testing. Allele origin: germline.
Comment: This sequence change replaces valine, which is neutral and non-polar, with phenylalanine, which is neutral and non-polar, at codon 2369 of the ANK2 protein (p.Val2369Phe). This variant is present in population databases (rs758054052, gnomAD 0.01%). This variant has not been reported in the literature in individuals affected with ANK2-related conditions. ClinVar contains an entry for this variant (Variation ID: 238587). An algorithm developed to predict the effect of missense changes on protein structure and function (PolyPhen-2) suggests that this variant is likely to be tolerated. In summary, the available evidence is currently insufficient to determine the role of this variant in disease. Therefore, it has been classified as a Variant of Uncertain Significance.

Ambry Genetics
Classification: Likely benign for Cardiovascular phenotype. Last evaluated: 2024-02-27. Review status: criteria provided, single submitter. Criteria: Ambry Variant Classification Scheme 2023. Collection method: clinical testing. Allele origin: germline.

Fulgent Genetics
Classification: Uncertain significance for Cardiac arrhythmia, ankyrin-B-related. Last evaluated: 2022-01-08. Review status: criteria provided, single submitter. Criteria: ACMG Guidelines, 2015. Collection method: clinical testing. Allele origin: unknown.

GeneDx
Classification: Uncertain significance. Last evaluated: 2021-11-12. Review status: criteria provided, single submitter. Criteria: GeneDx Variant Classification Process June 2021. Collection method: clinical testing. Allele origin: germline. Affected: yes.
Comment: Identified in patients with HCM in the published literature (Lopes et al., 2015); In silico analysis supports that this missense variant does not alter protein structure/function; Located in exon 38, which is reported as being expressed in a brain-specific transcript (Otto et al, 1991; Cunha et al, 2008; Wu et al, 2015); Reported in ClinVar as a variant of uncertain significance (ClinVar Variant ID# 238587; Landrum et al., 2016); This variant is associated with the following publications: (PMID: 25351510)

Agnes Ginges Centre for Molecular Cardiology, Centenary Institute
Classification: Uncertain significance for Primary dilated cardiomyopathy. Last evaluated: 2017-06-20. Review status: criteria provided, single submitter. Criteria: ACMG Guidelines, 2015. Collection method: research. Allele origin: germline. Affected: yes.
Comment: The ANK2 Val2369 variant has been reported previously in 1 Long QT (Invitae, ClinVar: SCV000286256.1) and 1 HCM patient (Lopes, et al., 2015). The variant is present in the Exome Aggregation Consortium dataset at an allele frequency > 0.00004, which is greater then expected for the disease. In silico models, SIFT, MutationTaster and PolyPhen-2 predict the change to be benign. In summary, the variant is present in the general population at a frequency higher then expected for the disease and in silico tools predict this variant to be benign, therefore we classify ANK2 Val2369Phe as a variant of 'uncertain significance'.

NM_001148.6(ANK2):c.7105G>T (p.Val2369Phe)

Genes: ANK2 (ankyrin 2; plus strand), LOC126807137 (CDK7 strongly-dependent group 2 enhancer GRCh37_chr4:114276560-114277759; plus strand). Cytogenetic location: 4q26.
Variant type: single nucleotide variant.
Coding change: c.7105G>T on transcript NM_001148.6 (MANE Select); coding-DNA position 7105, G replaced by T.
Protein change: p.Val2369Phe; replaces valine 2369 with phenylalanine.
Molecular consequence: missense variant. On other transcripts: intron variant (68).
Genome position (GRCh38, 1-based): chr4:113,355,723, G>T. VCF-style: chr4-113355723-G-T. GRCh37 (hg19) VCF-style: chr4-114276879-G-T.
Other names: c.6871G>T, p.Val2291Phe (NM_001386142.1); c.3505G>T, p.Val1169Phe (NM_001386166.1); c.7246G>T, p.Val2416Phe (NM_001386174.1); c.7222G>T, p.Val2408Phe (NM_001386175.1); c.4412-5100G>T (NM_001386186.2, NM_001386148.2); c.4214-5100G>T (NM_001354269.3); c.4292-5100G>T (NM_001386187.2); c.4253-5100G>T (NM_001386147.1); and 35 more; short protein forms V2369F, V1169F, V2291F, V2408F, V2416F.
Identifiers: ClinVar variation 238587 (VCV000238587.13), dbSNP rs758054052, ClinGen allele CA3051532.
Genomic context (GRCh38, chr4:113,355,723, plus strand): 5'-TGTGATGAAGGTCAACGTACCTTTGGTAGTTCAGCCCACAAGACACAAACTGATAGTGAG[G>T]TTCAAGAATCCACAGCCACCTCAGACGAGACAAAGGCCTTGCCGCTGCCTGAGGCTTCTG-3'
Protein context (NP_001139.3, residues 2359-2379): SAHKTQTDSE[Val2369Phe]QESTATSDET